The following is an entry in ClinVar:

ClinVar aggregate classification (germline): Likely pathogenic. Review status: criteria provided, single submitter (1 of 4 stars). 2 submissions from 2 submitters: Likely pathogenic (1). 1 of the submissions does not count toward it. Last evaluated 2020-04-16.

Conditions:
Ehlers-Danlos syndrome, type 4 (EDSVASC). Also called: Ehlers-Danlos syndrome vascular type; Ehlers Danlos syndrome, ecchymotic type; Ehlers Danlos syndrome, arterial type; Ehlers Danlos syndrome, Sack-Barabas type; Ehlers-Danlos Syndrome Type IV. Identifiers: Orphanet 286, MedGen C0268338, MONDO:0017314, OMIM 130050.

Allele frequency attached by ClinVar (database versions not stated): gnomAD exomes below 0.00001.
gnomAD v4.1: 1 of 1,612,252 alleles (0.000062%); highest among the groups gnomAD compares: Non-Finnish European, 0.000085%; no homozygotes.

Submissions (2):

Laboratory for Molecular Medicine, Mass General Brigham Personalized Medicine
Classification: Likely pathogenic for Ehlers-Danlos syndrome, type 4. Last evaluated: 2020-04-16. Review status: criteria provided, single submitter. Criteria: ACMG Guidelines, 2015. Collection method: clinical testing. Allele origin: germline. Inheritance: Autosomal dominant inheritance.
Comment: The p.Gly894Ala variant in COL3A1 has been reported in at least 1 individual with clinical features of Ehlers-Danlos syndrome type IV (EDS IV, vascular) (Pepin 2014) and was absent from large population studies. Computational prediction tools and conservation analysis suggest that this variant may impact the protein, though this information is not predictive enough to determine pathogenicity. Variants in COL3A1 affecting conserved glycine (Gly) residues of the G-X-Y repeat region in the triple helical collagen domain, where this variant is located, are strongly associated with EDS IV (Pepin 2000, Pepin 2014, Frank 2015). In summary, although additional studies are required to fully establish its clinical significance, this variant meets criteria to be classified as likely pathogenic for autosomal dominant EDS IV. ACMG/AMP Criteria applied: PM1, PS4_Supporting, PM2, PP3.

Collagen Diagnostic Laboratory, University of Washington
Classification: Pathogenic for Ehlers-Danlos syndrome, type 4. Review status: no assertion criteria provided. Collection method: clinical testing. Allele origin: germline. Affected: yes. Not counted in ClinVar's aggregate classification.

Literature cited by the submitters: PubMed 24922459 (cited by Laboratory for Molecular Medicine, Mass General Brigham Personalized Medicine).

NM_000090.4(COL3A1):c.2681G>C (p.Gly894Ala)

Gene: COL3A1 (collagen type III alpha 1 chain; plus strand). Cytogenetic location: 2q32.2.
Variant type: single nucleotide variant.
Coding change: c.2681G>C on transcript NM_000090.4 (MANE Select); coding-DNA position 2681, G replaced by C.
Protein change: p.Gly894Ala; replaces glycine 894 with alanine.
Molecular consequence: missense variant.
Genome position (GRCh38, 1-based): chr2:189,004,001, G>C. VCF-style: chr2-189004001-G-C. GRCh37 (hg19) VCF-style: chr2-189868727-G-C.
Identifiers: ClinVar variation 101303 (VCV000101303.3), dbSNP rs587779589, ClinGen allele CA005598.